The following is an entry in ClinVar:

ClinVar aggregate classification (germline): Benign/Likely benign. Review status: criteria provided, multiple submitters, no conflicts (2 of 4 stars). 6 submissions from 6 submitters: Benign (3); Likely benign (2). 1 of the submissions does not count toward it. Last evaluated 2026-01-20.

Conditions:
VPS13A-related neurodegenerative disease. Also called: LEVINE-CRITCHLEY SYNDROME; Choreoacanthocytosis; Chorea-acanthocytosis; VPS13A Disease; Choreaacanthocytosis; ACANTHOCYTOSIS WITH NEUROLOGIC DISORDER. Identifiers: Orphanet 2388, MedGen C0393576, MONDO:0008695, OMIM 200150.

Allele frequency attached by ClinVar (database versions not stated): gnomAD exomes 0.00070 and 0.00027; ExAC 0.00096; 1000 Genomes Project 0.00300; gnomAD 0.00305 and 0.00324; ESP Exome Variant Server 0.00338; TOPMed 0.00362; 1000 Genomes Project 30x 0.00390.
gnomAD v4.1: 877 of 1,613,190 alleles (0.054%); highest among the groups gnomAD compares: African/African-American, 1%; 5 homozygotes.

Submissions (6):

Labcorp Genetics (formerly Invitae), Labcorp
Classification: Benign. Last evaluated: 2026-01-20. Review status: criteria provided, single submitter. Criteria: Invitae Variant Classification Sherloc (09022015). Collection method: clinical testing. Allele origin: germline.

CeGaT Center for Human Genetics Tuebingen
Classification: Likely benign. Last evaluated: 2026-01-01. Review status: criteria provided, single submitter. Criteria: CeGaT Center For Human Genetics Tuebingen Variant Classification Criteria Version 2. Collection method: clinical testing. Allele origin: germline. Affected: yes. Observed: 1 variant allele.
Comment: VPS13A: BP4, BP7, BS1

Blueprint Genetics
Classification: Likely benign. Last evaluated: 2024-10-08. Review status: criteria provided, single submitter. Criteria: ACMG Guidelines, 2015. Collection method: clinical testing. Allele origin: germline.

Athena Diagnostics
Classification: Benign. Last evaluated: 2017-03-29. Review status: criteria provided, single submitter. Criteria: Athena Diagnostics Criteria. Collection method: clinical testing. Allele origin: germline.

Breakthrough Genomics
Classification: Benign. Review status: criteria provided, single submitter. Criteria: ACMG Guidelines, 2015. Collection method: not provided. Allele origin: germline. Inheritance: Autosomal recessive inheritance. Affected: yes.

Natera, Inc.
Classification: Benign for Choreaacanthocytosis. Last evaluated: 2020-09-16. Review status: no assertion criteria provided. Collection method: clinical testing. Allele origin: germline. Not counted in ClinVar's aggregate classification.

NM_033305.3(VPS13A):c.2748A>G (p.Glu916=)

Gene: VPS13A (vacuolar protein sorting 13 homolog A; plus strand). Cytogenetic location: 9q21.2.
Variant type: single nucleotide variant.
Coding change: c.2748A>G on transcript NM_033305.3 (MANE Select); coding-DNA position 2748, A replaced by G.
Protein change: p.Glu916=; no amino-acid change (glutamic acid 916 retained).
Molecular consequence: synonymous variant.
Genome position (GRCh38, 1-based): chr9:77,276,145, A>G. VCF-style: chr9-77276145-A-G. GRCh37 (hg19) VCF-style: chr9-79891061-A-G.
Other names: c.2748A>G, p.Glu916= (NM_001018037.2, NM_001018038.3, NM_015186.4).
Identifiers: ClinVar variation 448859 (VCV000448859.18), dbSNP rs73466090, ClinGen allele CA5092032.